The following is an entry in ClinVar:

ClinVar aggregate classification (germline): Uncertain significance (1 of 4 stars; one submission).

Conditions:
Epileptic encephalopathy. Identifiers: MedGen C0543888, HP:0200134.

Submission:

Labcorp Genetics (formerly Invitae), Labcorp
Classification: Uncertain significance for Epileptic encephalopathy. Last evaluated: 2022-01-11. Review status: criteria provided, single submitter. Criteria: Invitae Variant Classification Sherloc (09022015). Collection method: clinical testing. Allele origin: germline.
Comment: This sequence change replaces leucine, which is neutral and non-polar, with valine, which is neutral and non-polar, at codon 3091 of the RYR3 protein (p.Leu3091Val). This variant is not present in population databases (gnomAD no frequency). This variant has not been reported in the literature in individuals affected with RYR3-related conditions. ClinVar contains an entry for this variant (Variation ID: 938868). Algorithms developed to predict the effect of missense changes on protein structure and function are either unavailable or do not agree on the potential impact of this missense change (SIFT: "Deleterious"; PolyPhen-2: "Probably Damaging"; Align-GVGD: "Class C0"). In summary, the available evidence is currently insufficient to determine the role of this variant in disease. Therefore, it has been classified as a Variant of Uncertain Significance.

NM_001036.6(RYR3):c.9271C>G (p.Leu3091Val)

Gene: RYR3 (ryanodine receptor 3; plus strand). Cytogenetic location: 15q14.
Variant type: single nucleotide variant.
Coding change: c.9271C>G on transcript NM_001036.6 (MANE Select); coding-DNA position 9271, C replaced by G.
Protein change: p.Leu3091Val; replaces leucine 3091 with valine.
Molecular consequence: missense variant.
Genome position (GRCh38, 1-based): chr15:33,785,664, C>G. VCF-style: chr15-33785664-C-G. GRCh37 (hg19) VCF-style: chr15-34077865-C-G.
Other names: c.9271C>G, p.Leu3091Val (NM_001243996.4); short protein forms L3091V.
Identifiers: ClinVar variation 938868 (VCV000938868.9), dbSNP rs2074662147, ClinGen allele CA391590137.